The following is an entry in ClinVar:

NM_031935.3(HMCN1):c.7301G>C (p.Arg2434Thr)

Gene: HMCN1 (hemicentin 1; plus strand). Cytogenetic location: 1q31.1.
Variant type: single nucleotide variant.
Coding change: c.7301G>C on transcript NM_031935.3 (MANE Select); coding-DNA position 7301, G replaced by C.
Protein change: p.Arg2434Thr; replaces arginine 2434 with threonine.
Molecular consequence: missense variant.
Genome position (GRCh38, 1-based): chr1:186,057,390, G>C. VCF-style: chr1-186057390-G-C. GRCh37 (hg19) VCF-style: chr1-186026522-G-C.
Other names: short protein forms R2434T.
Identifiers: ClinVar variation 1935691 (VCV001935691.5), dbSNP rs911111072, ClinGen allele CA33453749.
Genomic context (GRCh38, chr1:186,057,390, plus strand): 5'-CCCTGCCTTCCATAACCTGGTTCAAAGATGGGTGGCCTGTCAGCCTTAGCAATTCTGTGA[G>C]GATTCTTTCAGGTATTAGAAATTCTGGTAGCCTTATAATCTTGTTAGCTTCATACGGCTA-3'
Protein context (NP_114141.2, residues 2424-2444): GWPVSLSNSV[Arg2434Thr]ILSGGRMLRL

ClinVar aggregate classification (germline): Uncertain significance (1 of 4 stars; one submission).

Allele frequency attached by ClinVar (database versions not stated): gnomAD exomes below 0.00001; TOPMed below 0.00001.
gnomAD v4.1: 6 of 1,607,496 alleles (0.00037%); highest among the groups gnomAD compares: Non-Finnish European, 0.00043%; no homozygotes.

Submission:

Labcorp Genetics (formerly Invitae), Labcorp
Classification: Uncertain significance. Last evaluated: 2022-07-19. Review status: criteria provided, single submitter. Criteria: Invitae Variant Classification Sherloc (09022015). Collection method: clinical testing. Allele origin: germline.
Comment: This sequence change replaces arginine, which is basic and polar, with threonine, which is neutral and polar, at codon 2434 of the HMCN1 protein (p.Arg2434Thr). This variant is present in population databases (no rsID available, gnomAD 0.0009%). This variant has not been reported in the literature in individuals affected with HMCN1-related conditions. Algorithms developed to predict the effect of missense changes on protein structure and function are either unavailable or do not agree on the potential impact of this missense change (SIFT: "Deleterious"; PolyPhen-2: "Probably Damaging"; Align-GVGD: "Class C0"). In summary, the available evidence is currently insufficient to determine the role of this variant in disease. Therefore, it has been classified as a Variant of Uncertain Significance.